The following is an entry in ClinVar:

ClinVar aggregate classification (germline): Uncertain significance (1 of 4 stars; one submission).

Allele frequency attached by ClinVar (database versions not stated): gnomAD exomes below 0.00001; TOPMed below 0.00001; gnomAD 0.00001.
gnomAD v4.1: 7 of 1,613,696 alleles (0.00043%); highest among the groups gnomAD compares: Non-Finnish European, 0.00051%; no homozygotes.

Submission:

Labcorp Genetics (formerly Invitae), Labcorp
Classification: Uncertain significance. Last evaluated: 2025-01-06. Review status: criteria provided, single submitter. Criteria: Invitae Variant Classification Sherloc (09022015). Collection method: clinical testing. Allele origin: germline.
Comment: This sequence change replaces lysine, which is basic and polar, with glutamine, which is neutral and polar, at codon 728 of the CCDC88A protein (p.Lys728Gln). This variant is present in population databases (no rsID available, gnomAD 0.007%). This variant has not been reported in the literature in individuals affected with CCDC88A-related conditions. ClinVar contains an entry for this variant (Variation ID: 1511736). An algorithm developed to predict the effect of missense changes on protein structure and function (PolyPhen-2) suggests that this variant is likely to be tolerated. In summary, the available evidence is currently insufficient to determine the role of this variant in disease. Therefore, it has been classified as a Variant of Uncertain Significance.

NM_001365480.1(CCDC88A):c.2182A>C (p.Lys728Gln)

Gene: CCDC88A (coiled-coil and HOOK domain protein 88A; minus strand). Cytogenetic location: 2p16.1.
Variant type: single nucleotide variant.
Coding change: c.2182A>C on transcript NM_001365480.1 (MANE Select); coding-DNA position 2182, A replaced by C.
Protein change: p.Lys728Gln; replaces lysine 728 with glutamine.
Molecular consequence: missense variant.
Genome position (GRCh38, 1-based): chr2:55,334,639, T>G on the plus strand (A>C on the coding strand, the complement: CCDC88A is on the minus strand). VCF-style: chr2-55334639-T-G. GRCh37 (hg19) VCF-style: chr2-55561775-T-G.
Other names: c.2182A>C, p.Lys728Gln (NM_001135597.2, NM_001254943.2, NM_018084.5); short protein forms K728Q.
Identifiers: ClinVar variation 1511736 (VCV001511736.6), dbSNP rs1283567680, ClinGen allele CA346900536.